The following is an entry in ClinVar:

NM_004415.4(DSP):c.992A>C (p.Gln331Pro)

Gene: DSP (desmoplakin; plus strand). Cytogenetic location: 6p24.3.
Variant type: single nucleotide variant.
Coding change: c.992A>C on transcript NM_004415.4 (MANE Select); coding-DNA position 992, A replaced by C.
Protein change: p.Gln331Pro; replaces glutamine 331 with proline.
Molecular consequence: missense variant.
Genome position (GRCh38, 1-based): chr6:7,566,429, A>C. VCF-style: chr6-7566429-A-C. GRCh37 (hg19) VCF-style: chr6-7566662-A-C.
Other names: c.992A>C, p.Gln331Pro (NM_001319034.2, NM_001008844.3); short protein forms Q331P.
Identifiers: ClinVar variation 228654 (VCV000228654.16), dbSNP rs746517026, ClinGen allele CA053425.
Genomic context (GRCh38, chr6:7,566,429, plus strand): 5'-ATTCACAGATACGCATGAGTCAACTGGAAGTTAAAGAAAAAGAGCTCAATAAGCTGAAAC[A>C]AGAAAGTGACCAACTTGTCCTCAATCAGCATCCAGCTTCAGACAAAATTGAGGTAGGCTT-3'
Protein context (NP_004406.2, residues 321-341): VKEKELNKLK[Gln331Pro]ESDQLVLNQH

ClinVar aggregate classification (germline): Uncertain significance. Review status: criteria provided, multiple submitters, no conflicts (2 of 4 stars). 5 submissions from 5 submitters: Uncertain significance (5). Last evaluated 2025-06-30.

Conditions:
Cardiovascular phenotype. Identifiers: MedGen CN230736.
Arrhythmogenic cardiomyopathy with wooly hair and keratoderma. Also called: PALMOPLANTAR KERATODERMA WITH LEFT VENTRICULAR CARDIOMYOPATHY AND WOOLLY HAIR; Dilated cardiomyopathy with woolly hair and keratoderma; Carvajal syndrome; Arrhythmogenic cardiomyopathy with woolly hair and keratoderma. Identifiers: Orphanet 65282, MedGen C1854063, MONDO:0011581, OMIM 605676.
Arrhythmogenic right ventricular dysplasia 8 (ARVD8). Also called: Arrhythmogenic Right Ventricular Dysplasia/Cardiomyopathy 8; ARRHYTHMOGENIC RIGHT VENTRICULAR DYSPLASIA, FAMILIAL, 8; ARRHYTHMOGENIC RIGHT VENTRICULAR CARDIOMYOPATHY 8. Identifiers: MedGen C1843896, MONDO:0011831, OMIM 607450.
Cardiomyopathy (CMYO). Also called: Cardiomyopathies. Identifiers: Orphanet 167848, MedGen C0878544, MONDO:0004994, HP:0001638. Inheritance: Various modes of inheritance.

Allele frequency attached by ClinVar (database versions not stated): gnomAD 0.00001; TOPMed 0.00001.

Submissions (5):

Color Diagnostics, LLC DBA Color Health
Classification: Uncertain significance for Cardiomyopathy. Last evaluated: 2025-06-30. Review status: criteria provided, single submitter. Criteria: ACMG Guidelines, 2015. Collection method: clinical testing. Allele origin: germline.
Comment: This missense variant replaces glutamine with proline at codon 331 of the DSP protein. Computational prediction is inconclusive regarding the impact of this variant on protein structure and function . To our knowledge, functional studies have not been reported for this variant. This variant has been reported in an individual affected with dilated cardiomyopathy (PMID: 31983221, 37652022). This variant has been identified in 1/251124 chromosomes in the general population by the Genome Aggregation Database (gnomAD). The available evidence is insufficient to determine the role of this variant in disease conclusively. Therefore, this variant is classified as a Variant of Uncertain Significance.

Labcorp Genetics (formerly Invitae), Labcorp
Classification: Uncertain significance for Arrhythmogenic cardiomyopathy with wooly hair and keratoderma; Arrhythmogenic right ventricular dysplasia 8. Last evaluated: 2024-12-11. Review status: criteria provided, single submitter. Criteria: Invitae Variant Classification Sherloc (09022015). Collection method: clinical testing. Allele origin: germline.
Comment: This sequence change replaces glutamine, which is neutral and polar, with proline, which is neutral and non-polar, at codon 331 of the DSP protein (p.Gln331Pro). This variant is present in population databases (rs746517026, gnomAD 0.0009%). This missense change has been observed in individual(s) with dilated cardiomyopathy (PMID: 37652022). ClinVar contains an entry for this variant (Variation ID: 228654). An algorithm developed to predict the effect of missense changes on protein structure and function (PolyPhen-2) suggests that this variant is likely to be disruptive. In summary, the available evidence is currently insufficient to determine the role of this variant in disease. Therefore, it has been classified as a Variant of Uncertain Significance.

Ambry Genetics
Classification: Uncertain significance for Cardiovascular phenotype. Last evaluated: 2024-06-13. Review status: criteria provided, single submitter. Criteria: Ambry Variant Classification Scheme 2023. Collection method: clinical testing. Allele origin: germline.
Comment: The p.Q331P variant (also known as c.992A>C), located in coding exon 8 of the DSP gene, results from an A to C substitution at nucleotide position 992. The glutamine at codon 331 is replaced by proline, an amino acid with similar properties. This alteration has been reported in a dilated cardiomyopathy (DCM) cohort (Mazzarotto F et al. Circulation, 2020 Feb;141:387-398). This amino acid position is well conserved in available vertebrate species. In addition, the in silico prediction for this alteration is inconclusive. Based on the available evidence, the clinical significance of this variant remains unclear.

All of Us Research Program, National Institutes of Health
Classification: Uncertain significance for Arrhythmogenic cardiomyopathy with wooly hair and keratoderma. Last evaluated: 2023-05-04. Review status: criteria provided, single submitter. Criteria: ACMG Guidelines, 2015. Collection method: clinical testing. Allele origin: germline. Inheritance: Autosomal dominant inheritance. Observed: 1 variant allele, 1 heterozygote.
Comment: This missense variant replaces glutamine with proline at codon 331 of the DSP protein. Computational prediction is inconclusive regarding the impact of this variant on protein structure and function (internally defined REVEL score threshold 0.5 < inconclusive < 0.7, PMID: 27666373). To our knowledge, functional studies have not been reported for this variant. This variant has not been reported in individuals affected with DSP-related disorders in the literature. This variant has been identified in 1/251124 chromosomes in the general population by the Genome Aggregation Database (gnomAD). The available evidence is insufficient to determine the role of this variant in disease conclusively. Therefore, this variant is classified as a Variant of Uncertain Significance.

This study involves interpretation of variants in research participants for the purpose of population health screening. Participant phenotype was not available at the time of variant classification. Additional details can be found in publication PMID: 35346344, PMCID: PMC8962531

Laboratory for Molecular Medicine, Mass General Brigham Personalized Medicine
Classification: Uncertain significance. Last evaluated: 2015-12-14. Review status: criteria provided, single submitter. Criteria: LMM Criteria. Collection method: clinical testing. Allele origin: germline. Observed: 1 variant allele.
Comment: The p.Gln331Pro variant in DSP has not been previously reported in individuals w ith cardiomyopathy but has been identified in 1/66616 of European chromosomes by the Exome Aggregation Consortium (ExAC; dbSNP r s746517026). Computational prediction tools and conservation analysis suggest th at this variant may impact the protein, though this information is not predictiv e enough to determine pathogenicity. In summary, the clinical significance of th e p.Gln331Pro variant is uncertain.

Literature cited by the submitters: PubMed 31983221 (cited by Color Diagnostics, LLC DBA Color Health and Ambry Genetics); PubMed 37652022 (cited by Color Diagnostics, LLC DBA Color Health and Labcorp Genetics (formerly Invitae), Labcorp).